The following is an entry in ClinVar:

NM_021625.5(TRPV4):c.1392C>G (p.Arg464=)

Gene: TRPV4 (transient receptor potential cation channel subfamily V member 4; minus strand). Cytogenetic location: 12q24.11.
Variant type: single nucleotide variant.
Coding change: c.1392C>G on transcript NM_021625.5 (MANE Select); coding-DNA position 1392, C replaced by G.
Protein change: p.Arg464=; no amino-acid change (arginine 464 retained).
Molecular consequence: synonymous variant.
Genome position (GRCh38, 1-based): chr12:109,794,428, G>C on the plus strand (C>G on the coding strand, the complement: TRPV4 is on the minus strand). VCF-style: chr12-109794428-G-C. GRCh37 (hg19) VCF-style: chr12-110232233-G-C.
Other names: c.1251C>G, p.Arg417= (NM_001177428.2); c.1290C>G, p.Arg430= (NM_001177431.2); c.1071C>G, p.Arg357= (NM_001177433.2); c.1212C>G, p.Arg404= (NM_147204.3).
Identifiers: ClinVar variation 511102 (VCV000511102.3), dbSNP rs182609216, ClinGen allele CA481716725.

ClinVar aggregate classification (germline): Likely benign. Review status: criteria provided, multiple submitters, no conflicts (2 of 4 stars). 2 submissions from 2 submitters: Likely benign (2). Last evaluated 2019-07-11.

Conditions:
Inborn genetic diseases. Identifiers: MedGen C0950123, MeSH D030342.

Submissions (2):

Ambry Genetics
Classification: Likely benign for Inborn genetic diseases. Last evaluated: 2019-07-11. Review status: criteria provided, single submitter. Criteria: Ambry Variant Classification Scheme 2023. Collection method: clinical testing. Allele origin: germline.

GeneDx
Classification: Likely benign. Last evaluated: 2017-08-01. Review status: criteria provided, single submitter. Criteria: GeneDx Variant Classification (06012015). Collection method: clinical testing. Allele origin: germline. Affected: yes.
Comment: This variant is considered likely benign or benign based on one or more of the following criteria: it is a conservative change, it occurs at a poorly conserved position in the protein, it is predicted to be benign by multiple in silico algorithms, and/or has population frequency not consistent with disease.